The following is an entry in ClinVar:

NM_000540.3(RYR1):c.2085T>G (p.Pro695=)

Gene: RYR1 (ryanodine receptor 1; plus strand). Cytogenetic location: 19q13.2.
Variant type: single nucleotide variant.
Coding change: c.2085T>G on transcript NM_000540.3 (MANE Select); coding-DNA position 2085, T replaced by G.
Protein change: p.Pro695=; no amino-acid change (proline 695 retained).
Molecular consequence: synonymous variant.
Genome position (GRCh38, 1-based): chr19:38,458,210, T>G. VCF-style: chr19-38458210-T-G. GRCh37 (hg19) VCF-style: chr19-38948850-T-G.
Other names: c.2085T>G, p.Pro695= (NM_001042723.2).
Identifiers: ClinVar variation 2739301 (VCV002739301.4), dbSNP rs2514042652, ClinGen allele CA507243847.

ClinVar aggregate classification (germline): Likely benign. Review status: criteria provided, multiple submitters, no conflicts (2 of 4 stars). 2 submissions from 2 submitters: Likely benign (2). Last evaluated 2023-11-20.

Conditions:
Malignant hyperthermia, susceptibility to, 1 (MHS1). Also called: RYR1-Related Malignant Hyperthermia Susceptibility; Malignant hyperthermia suceptibility 1; Anesthesia related hyperthermia; Malignant hyperpyrexia; Fulminating hyperpyrexia; Pharmacogenic myopathy. Identifiers: Orphanet 423, MedGen C2930980, MONDO:0007783, OMIM 145600.
RYR1-related disorder. Also called: RYR1-related disorders; RYR1-related condition. Identifiers: MedGen CN239331.

Submissions (2):

Labcorp Genetics (formerly Invitae), Labcorp
Classification: Likely benign for RYR1-related disorder. Last evaluated: 2023-11-20. Review status: criteria provided, single submitter. Criteria: Invitae Variant Classification Sherloc (09022015). Collection method: clinical testing. Allele origin: germline.

All of Us Research Program, National Institutes of Health
Classification: Likely benign for Malignant hyperthermia, susceptibility to, 1. Last evaluated: 2023-08-15. Review status: criteria provided, single submitter. Criteria: ACMG Guidelines, 2015. Collection method: clinical testing. Allele origin: germline. Inheritance: Autosomal dominant inheritance. Observed: 1 variant allele, 1 heterozygote.
Comment: This study involves interpretation of variants in research participants for the purpose of population health screening. Participant phenotype was not available at the time of variant classification. Additional details can be found in publication PMID: 35346344, PMCID: PMC8962531